The following is an entry in ClinVar:

ClinVar aggregate classification (germline): Likely pathogenic. Review status: criteria provided, multiple submitters, no conflicts (2 of 4 stars). 2 submissions from 2 submitters: Likely pathogenic (2). Last evaluated 2025-06-04.

Conditions:
Adams-Oliver syndrome 2 (AOS2). Identifiers: Orphanet 974, MedGen C3280182, MONDO:0013635, OMIM 614219.
Adams-Oliver syndrome (AOS). Identifiers: Orphanet 974, MedGen C0265268, MONDO:0007034.

Submissions (2):

First Genomix Gene Laboratory, Genetic Diagnostics Department
Classification: Likely pathogenic for Adams-Oliver syndrome 2. Last evaluated: 2025-06-04. Review status: criteria provided, single submitter. Criteria: ACMG Guidelines, 2015. Collection method: clinical testing. Allele origin: germline. Inheritance: Autosomal recessive inheritance. Affected: no.

Department of Pathology and Laboratory Medicine, Sinai Health System
Classification: Likely pathogenic for Adams-Oliver syndrome. Last evaluated: 2021-09-17. Review status: criteria provided, single submitter. Criteria: ACMG Guidelines, 2015. Collection method: research. Allele origin: germline.

NM_020812.4(DOCK6):c.4531_4532del (p.Ser1511fs)

Genes: DOCK6 (dedicator of cytokinesis 6; minus strand), DOCK6-AS1 (DOCK6 antisense RNA 1; plus strand). Cytogenetic location: 19p13.2.
Variant type: Microsatellite.
Coding change: c.4531_4532del on transcript NM_020812.4 (MANE Select); coding-DNA positions 4531 to 4532, 2 bases deleted (TC; older notation c.4531_4532delTC).
Protein change: p.Ser1511fs; shifts the reading frame from serine 1511.
Molecular consequence: frameshift variant.
Genome position (GRCh38, 1-based): chr19:11,212,111-11,212,112, GA deleted on the plus strand (TC on the coding strand, the reverse complement: DOCK6 is on the minus strand); deleting any 2 consecutive bases within chr19:11,212,111-11,212,118 gives the same sequence; the c. name uses the placement nearest the transcript's 3' end. VCF-style (leftmost placement, unchanged base first): chr19-11212110-CGA-C. GRCh37 (hg19) VCF-style: chr19-11322786-CGA-C.
Other names: c.4636_4637del, p.Ser1546fs (NM_001367830.1); c.4531_4532delTC (NM_020812.4); short protein forms S1511fs, S1546fs.
Identifiers: ClinVar variation 3779280 (VCV003779280.2).
Genomic context (GRCh38, chr19:11,212,110, plus strand): 5'-GGTTTTGAGTGAACGTCGCAGGTGCTCTTCACTGAAGTTCTGCGTCGTCCCCACCAGGGA[CGA>C]GAGAGACATGGTGACCTGCATCTTCACACGGGCAAAGTTCTGCAGGGACAGGGGCGGGAG-3'